The following is an entry in ClinVar:

ClinVar aggregate classification (germline): Pathogenic/Likely pathogenic. Review status: criteria provided, multiple submitters, no conflicts (2 of 4 stars). 2 submissions from 2 submitters: Pathogenic (1); Likely pathogenic (1). Last evaluated 2024-01-17.

Allele frequency attached by ClinVar (database versions not stated): gnomAD 0.00001; gnomAD exomes 0.00001; TOPMed 0.00002; ExAC 0.00003.
gnomAD v4.1: 11 of 1,612,772 alleles (0.00068%); highest among the groups gnomAD compares: Admixed American, 0.0033%; no homozygotes.

Submissions (2):

Labcorp Genetics (formerly Invitae), Labcorp
Classification: Pathogenic. Last evaluated: 2024-01-17. Review status: criteria provided, single submitter. Criteria: Invitae Variant Classification Sherloc (09022015). Collection method: clinical testing. Allele origin: germline.
Comment: This sequence change replaces arginine, which is basic and polar, with histidine, which is basic and polar, at codon 164 of the LCAT protein (p.Arg164His). This variant is present in population databases (rs769485083, gnomAD 0.003%). This missense change has been observed in individual(s) with high-density lipoprotein (HDL) deficiency and/or lecithin cholesterol acyltransferase (LCAT) deficiency (PMID: 7607641, 28870971, 30333156). It has also been observed to segregate with disease in related individuals. This variant is also known as p.Arg140His. ClinVar contains an entry for this variant (Variation ID: 1458807). Advanced modeling of protein sequence and biophysical properties (such as structural, functional, and spatial information, amino acid conservation, physicochemical variation, residue mobility, and thermodynamic stability) performed at Invitae indicates that this missense variant is not expected to disrupt LCAT protein function with a negative predictive value of 80%. Experimental studies have shown that this missense change affects LCAT function (PMID: 7607641). This variant disrupts the p.Arg164 amino acid residue in LCAT. Other variant(s) that disrupt this residue have been observed in individuals with LCAT-related conditions (PMID: 24174160), which suggests that this may be a clinically significant amino acid residue. For these reasons, this variant has been classified as Pathogenic.

GeneDx
Classification: Likely pathogenic. Last evaluated: 2023-07-11. Review status: criteria provided, single submitter. Criteria: GeneDx Variant Classification Process June 2021. Collection method: clinical testing. Allele origin: germline. Affected: yes.
Comment: Published functional studies demonstrate a loss of enzyme activity when p.(R164H) was expressed in COS-7 cells (Steyrer et al., 1995); Not observed at significant frequency in large population cohorts (gnomAD); In silico analysis supports that this missense variant has a deleterious effect on protein structure/function; Also known as R140H; This variant is associated with the following publications: (PMID: 16216249, 28870971, 34256778, 34789074, 7607641, 30333156)

Literature cited by the submitters: PubMed 7607641 (cited by Labcorp Genetics (formerly Invitae), Labcorp); PubMed 28870971 (cited by Labcorp Genetics (formerly Invitae), Labcorp); PubMed 30333156 (cited by Labcorp Genetics (formerly Invitae), Labcorp); PubMed 24174160 (cited by Labcorp Genetics (formerly Invitae), Labcorp).

NM_000229.2(LCAT):c.491G>A (p.Arg164His)

Gene: LCAT (lecithin-cholesterol acyltransferase; minus strand). Cytogenetic location: 16q22.1.
Variant type: single nucleotide variant.
Coding change: c.491G>A on transcript NM_000229.2 (MANE Select); coding-DNA position 491, G replaced by A.
Protein change: p.Arg164His; replaces arginine 164 with histidine.
Molecular consequence: missense variant.
Genome position (GRCh38, 1-based): chr16:67,942,703, C>T on the plus strand (G>A on the coding strand, the complement: LCAT is on the minus strand). VCF-style: chr16-67942703-C-T. GRCh37 (hg19) VCF-style: chr16-67976606-C-T.
Other names: c.491G>A (NM_000229.1); short protein forms R164H.
Identifiers: ClinVar variation 1458807 (VCV001458807.7), dbSNP rs769485083, ClinGen allele CA8121062.